The following is an entry in ClinVar:

NM_212482.4(FN1):c.5351G>T (p.Arg1784Ile)

Gene: FN1 (fibronectin 1; minus strand). Cytogenetic location: 2q35.
Variant type: single nucleotide variant.
Coding change: c.5351G>T on transcript NM_212482.4 (MANE Select); coding-DNA position 5351, G replaced by T.
Protein change: p.Arg1784Ile; replaces arginine 1784 with isoleucine.
Molecular consequence: missense variant. On other transcripts: intron variant (10).
Genome position (GRCh38, 1-based): chr2:215,380,894, C>A on the plus strand (G>T on the coding strand, the complement: FN1 is on the minus strand). VCF-style: chr2-215380894-C-A. GRCh37 (hg19) VCF-style: chr2-216245617-C-A.
Other names: c.5351G>T, p.Arg1784Ile (NM_001306129.2); c.5078G>T, p.Arg1693Ile (NM_001365518.2, NM_001365520.2, NM_001365524.2 and 2 more transcripts); c.4891+1318G>T (NM_212474.3, NM_001306132.2, NM_001365523.2 and 2 more transcripts); c.5164+1318G>T (NM_001306130.2, NM_001365522.2, NM_001365519.2 and 2 more transcripts); short protein forms R1784I, R1693I.
Identifiers: ClinVar variation 1497572 (VCV001497572.6), dbSNP rs2058110478, ClinGen allele CA350474265.
Genomic context (GRCh38, chr2:215,380,894, plus strand): 5'-GGCTGGCTCTCCATATCATCGTGCAAGGCAACCACACTGACTGTGTACTCAGAACCCGGT[C>A]TGAGGCCTTGCAGCTCTGCAGTGTCTTCTTCACCATCAGGTGCAGGGAATAGCTCATGGA-3'
Protein context (NP_997647.2, residues 1774-1794): EEDTAELQGL[Arg1784Ile]PGSEYTVSVV

ClinVar aggregate classification (germline): Uncertain significance (1 of 4 stars; one submission).

Submission:

Labcorp Genetics (formerly Invitae), Labcorp
Classification: Uncertain significance. Last evaluated: 2021-12-10. Review status: criteria provided, single submitter. Criteria: Invitae Variant Classification Sherloc (09022015). Collection method: clinical testing. Allele origin: germline.
Comment: This sequence change replaces arginine, which is basic and polar, with isoleucine, which is neutral and non-polar, at codon 1784 of the FN1 protein (p.Arg1784Ile). This variant is not present in population databases (gnomAD no frequency). This variant has not been reported in the literature in individuals affected with FN1-related conditions. Algorithms developed to predict the effect of missense changes on protein structure and function are either unavailable or do not agree on the potential impact of this missense change (SIFT: "Not Available"; PolyPhen-2: "Probably Damaging"; Align-GVGD: "Not Available"). In summary, the available evidence is currently insufficient to determine the role of this variant in disease. Therefore, it has been classified as a Variant of Uncertain Significance.